The following is an entry in ClinVar:

ClinVar aggregate classification (germline): Uncertain significance. Review status: criteria provided, multiple submitters, no conflicts (2 of 4 stars). 3 submissions from 3 submitters: Uncertain significance (3). Last evaluated 2026-08-18.

Conditions:
Neurofibromatosis, type 2 (SWNV). Also called: SCHWANNOMATOSIS, VESTIBULAR; NF2-Related Schwannomatosis; BILATERAL ACOUSTIC NEUROFIBROMATOSIS. Identifiers: Orphanet 637, MedGen C0027832, MONDO:0007039, OMIM 101000. Disease mechanism: loss of function.
Hereditary cancer-predisposing syndrome. Also called: Neoplastic Syndromes, Hereditary; Hereditary neoplastic syndrome; Hereditary Cancer Syndrome; Tumor predisposition. Identifiers: Orphanet 140162, MedGen C0027672, MeSH D009386, MONDO:0015356.

Allele frequency attached by ClinVar (database versions not stated): gnomAD exomes below 0.00001; TOPMed 0.00001.
gnomAD v4.1: 2 of 1,613,464 alleles (0.00012%); highest among the groups gnomAD compares: Admixed American, 0.0017%; no homozygotes.

Submissions (3):

Ambry Genetics
Classification: Uncertain significance for Hereditary cancer-predisposing syndrome. Last evaluated: 2026-08-18. Review status: criteria provided, single submitter. Criteria: Ambry Variant Classification Scheme 2023. Collection method: clinical testing. Allele origin: germline.

Labcorp Genetics (formerly Invitae), Labcorp
Classification: Uncertain significance for Neurofibromatosis, type 2. Last evaluated: 2024-12-12. Review status: criteria provided, single submitter. Criteria: Invitae Variant Classification Sherloc (09022015). Collection method: clinical testing. Allele origin: germline.
Comment: This sequence change replaces arginine, which is basic and polar, with lysine, which is basic and polar, at codon 187 of the NF2 protein (p.Arg187Lys). This variant is present in population databases (no rsID available, gnomAD 0.003%). This variant has not been reported in the literature in individuals affected with NF2-related conditions. ClinVar contains an entry for this variant (Variation ID: 457919). Invitae Evidence Modeling of protein sequence and biophysical properties (such as structural, functional, and spatial information, amino acid conservation, physicochemical variation, residue mobility, and thermodynamic stability) indicates that this missense variant is not expected to disrupt NF2 protein function with a negative predictive value of 80%. In summary, the available evidence is currently insufficient to determine the role of this variant in disease. Therefore, it has been classified as a Variant of Uncertain Significance.

GeneDx
Classification: Uncertain significance. Last evaluated: 2023-02-24. Review status: criteria provided, single submitter. Criteria: GeneDx Variant Classification Process June 2021. Collection method: clinical testing. Allele origin: germline. Affected: yes.
Comment: In silico analysis supports that this missense variant does not alter protein structure/function; Has not been previously published as pathogenic or benign to our knowledge

NM_000268.4(NF2):c.560G>A (p.Arg187Lys)

Gene: NF2 (NF2, moesin-ezrin-radixin like (MERLIN) tumor suppressor; plus strand). Cytogenetic location: 22q12.2.
Variant type: single nucleotide variant.
Coding change: c.560G>A on transcript NM_000268.4 (MANE Select); coding-DNA position 560, G replaced by A.
Protein change: p.Arg187Lys; replaces arginine 187 with lysine.
Molecular consequence: missense variant. On other transcripts: non-coding transcript variant (1), intron variant (1).
Genome position (GRCh38, 1-based): chr22:29,655,637, G>A. VCF-style: chr22-29655637-G-A. GRCh37 (hg19) VCF-style: chr22-30051626-G-A.
Other names: c.560G>A, p.Arg187Lys (NM_016418.5, NM_181825.3, NM_181832.3); c.434G>A, p.Arg145Lys (NM_181828.3); c.437G>A, p.Arg146Lys (NM_181829.3); c.311G>A, p.Arg104Lys (NM_181830.3, NM_181831.3); c.447+13352G>A (NM_181833.3); short protein forms R187K, R104K, R145K, R146K.
Identifiers: ClinVar variation 457919 (VCV000457919.22), dbSNP rs1234052589, ClinGen allele CA411142614.